The following is an entry in ClinVar:

NM_002439.5(MSH3):c.400C>G (p.Leu134Val)

Gene: MSH3 (mutS homolog 3; plus strand). Cytogenetic location: 5q14.1.
Variant type: single nucleotide variant.
Coding change: c.400C>G on transcript NM_002439.5 (MANE Select); coding-DNA position 400, C replaced by G.
Protein change: p.Leu134Val; replaces leucine 134 with valine.
Molecular consequence: missense variant.
Genome position (GRCh38, 1-based): chr5:80,665,184, C>G. VCF-style: chr5-80665184-C-G. GRCh37 (hg19) VCF-style: chr5-79961003-C-G.
Other names: short protein forms L134V.
Identifiers: ClinVar variation 2565680 (VCV002565680.5), dbSNP rs2546717371, ClinGen allele CA360263146.

ClinVar aggregate classification (germline): Uncertain significance. Review status: criteria provided, multiple submitters, no conflicts (2 of 4 stars). 2 submissions from 2 submitters: Uncertain significance (2). Last evaluated 2023-09-10.

Conditions:
Hereditary cancer-predisposing syndrome. Also called: Neoplastic Syndromes, Hereditary; Hereditary Cancer Syndrome; Hereditary neoplastic syndrome; Tumor predisposition. Identifiers: Orphanet 140162, MedGen C0027672, MeSH D009386, MONDO:0015356.

Submissions (2):

Labcorp Genetics (formerly Invitae), Labcorp
Classification: Uncertain significance. Last evaluated: 2023-09-10. Review status: criteria provided, single submitter. Criteria: Invitae Variant Classification Sherloc (09022015). Collection method: clinical testing. Allele origin: germline.
Comment: In summary, the available evidence is currently insufficient to determine the role of this variant in disease. Therefore, it has been classified as a Variant of Uncertain Significance. An algorithm developed to predict the effect of missense changes on protein structure and function (PolyPhen-2) suggests that this variant is likely to be disruptive. ClinVar contains an entry for this variant (Variation ID: 2565680). This variant has not been reported in the literature in individuals affected with MSH3-related conditions. This variant is not present in population databases (gnomAD no frequency). This sequence change replaces leucine, which is neutral and non-polar, with valine, which is neutral and non-polar, at codon 134 of the MSH3 protein (p.Leu134Val).

Ambry Genetics
Classification: Uncertain significance for Hereditary cancer-predisposing syndrome. Last evaluated: 2023-05-25. Review status: criteria provided, single submitter. Criteria: Ambry Variant Classification Scheme 2023. Collection method: clinical testing. Allele origin: germline.
Comment: The p.L134V variant (also known as c.400C>G), located in coding exon 3 of the MSH3 gene, results from a C to G substitution at nucleotide position 400. The leucine at codon 134 is replaced by valine, an amino acid with highly similar properties. This amino acid position is conserved. In addition, the in silico prediction for this alteration is inconclusive. Since supporting evidence is limited at this time, the clinical significance of this alteration remains unclear.